The following is an entry in ClinVar:

NM_001615.4(ACTG2):c.222C>A (p.His74Gln)

Gene: ACTG2 (actin gamma 2, smooth muscle; plus strand). Cytogenetic location: 2p13.1.
Variant type: single nucleotide variant.
Coding change: c.222C>A on transcript NM_001615.4 (MANE Select); coding-DNA position 222, C replaced by A.
Protein change: p.His74Gln; replaces histidine 74 with glutamine.
Molecular consequence: missense variant. On other transcripts: intron variant (1).
Genome position (GRCh38, 1-based): chr2:73,902,455, C>A. VCF-style: chr2-73902455-C-A. GRCh37 (hg19) VCF-style: chr2-74129582-C-A.
Other names: c.126+1018C>A (NM_001199893.2); short protein forms H74Q.
Identifiers: ClinVar variation 4795716 (VCV004795716.1).

ClinVar aggregate classification (germline): Uncertain significance (1 of 4 stars; one submission).

Submission:

GeneDx
Classification: Uncertain significance. Last evaluated: 2025-08-11. Review status: criteria provided, single submitter. Criteria: GeneDx Variant Classification Process June 2021. Collection method: clinical testing. Allele origin: germline. Affected: yes.
Comment: Not observed at significant frequency in large population cohorts (gnomAD); In silico analysis supports that this missense variant has a deleterious effect on protein structure/function; Has not been previously published as pathogenic or benign to our knowledge